The following is an entry in ClinVar:

ClinVar aggregate classification (germline): Uncertain significance (1 of 4 stars; one submission).

Conditions:
Transcobalamin II deficiency (TCN2D). Also called: Transcolabamin II deficiency; TC II DEFICIENCY; TCN2 DEFICIENCY. Identifiers: Orphanet 859, MedGen C0342701, MONDO:0010149, OMIM 275350.

Allele frequency attached by ClinVar (database versions not stated): gnomAD exomes below 0.00001.
gnomAD v4.1: 1 of 1,614,158 alleles (0.000062%); highest among the groups gnomAD compares: East Asian, 0.0022%; no homozygotes.

Submission:

Labcorp Genetics (formerly Invitae), Labcorp
Classification: Uncertain significance for Transcobalamin II deficiency. Last evaluated: 2019-10-28. Review status: criteria provided, single submitter. Criteria: Invitae Variant Classification Sherloc (09022015). Collection method: clinical testing. Allele origin: germline.
Comment: This variant has not been reported in the literature in individuals with TCN2-related conditions. This sequence change replaces glycine with alanine at codon 66 of the TCN2 protein (p.Gly66Ala). The glycine residue is moderately conserved and there is a small physicochemical difference between glycine and alanine. This variant is not present in population databases (ExAC no frequency). Algorithms developed to predict the effect of missense changes on protein structure and function (SIFT, PolyPhen-2, Align-GVGD) all suggest that this variant is likely to be tolerated, but these predictions have not been confirmed by published functional studies and their clinical significance is uncertain. In summary, the available evidence is currently insufficient to determine the role of this variant in disease. Therefore, it has been classified as a Variant of Uncertain Significance.

NM_000355.4(TCN2):c.197G>C (p.Gly66Ala)

Gene: TCN2 (transcobalamin 2; plus strand). Cytogenetic location: 22q12.2.
Variant type: single nucleotide variant.
Coding change: c.197G>C on transcript NM_000355.4 (MANE Select); coding-DNA position 197, G replaced by C.
Protein change: p.Gly66Ala; replaces glycine 66 with alanine.
Molecular consequence: missense variant.
Genome position (GRCh38, 1-based): chr22:30,611,003, G>C. VCF-style: chr22-30611003-G-C. GRCh37 (hg19) VCF-style: chr22-31006990-G-C.
Other names: c.197G>C, p.Gly66Ala (NM_001184726.2); short protein forms G66A.
Identifiers: ClinVar variation 953595 (VCV000953595.9), dbSNP rs2087531325, ClinGen allele CA411206341.